The following is an entry in ClinVar:

NM_001353214.3(DYM):c.2164G>T (p.Asp722Tyr)

Genes: DYM (dymeclin; minus strand), DYM-AS1 (DYM antisense RNA 1; plus strand). Cytogenetic location: 18q21.1.
Variant type: single nucleotide variant.
Coding change: c.2164G>T on transcript NM_001353214.3 (MANE Select); coding-DNA position 2164, G replaced by T.
Protein change: p.Asp722Tyr; replaces aspartic acid 722 with tyrosine.
Molecular consequence: missense variant. On other transcripts: 3 prime UTR variant (2).
Genome position (GRCh38, 1-based): chr18:49,044,066, C>A on the plus strand (G>T on the coding strand, the complement: DYM is on the minus strand). VCF-style: chr18-49044066-C-A. GRCh37 (hg19) VCF-style: chr18-46570436-C-A.
Other names: c.1996G>T, p.Asp666Tyr (NM_001353210.3, NM_001353211.3); c.2161G>T, p.Asp721Tyr (NM_001353212.3, NM_001353213.3); c.1981G>T, p.Asp661Tyr (NM_001353215.3); c.1816G>T, p.Asp606Tyr (NM_001353216.3, NM_001374437.1); c.2164G>T, p.Asp722Tyr (NM_001374428.1); c.2158G>T, p.Asp720Tyr (NM_001374429.1); c.*123G>T (NM_001374430.1, NM_001374433.1); c.2050G>T, p.Asp684Tyr (NM_001374431.1); and 12 more; short protein forms D667Y, D722Y, D606Y, D666Y, D661Y, D721Y, D416Y, D476Y.
Identifiers: ClinVar variation 326888 (VCV000326888.7), dbSNP rs528865224, ClinGen allele CA8957897.

ClinVar aggregate classification (germline): Uncertain significance. Review status: criteria provided, multiple submitters, no conflicts (2 of 4 stars). 2 submissions from 2 submitters: Uncertain significance (2). Last evaluated 2024-02-01.

Allele frequency attached by ClinVar (database versions not stated): ExAC 0.00004; TOPMed 0.00004; gnomAD 0.00005.
gnomAD v4.1: 36 of 1,613,578 alleles (0.0022%); highest among the groups gnomAD compares: East Asian, 0.031%; no homozygotes.

Submissions (2):

Blueprint Genetics
Classification: Uncertain significance. Last evaluated: 2024-02-01. Review status: criteria provided, single submitter. Criteria: ACMG Guidelines, 2015. Collection method: clinical testing. Allele origin: germline.

Labcorp Genetics (formerly Invitae), Labcorp
Classification: Uncertain significance. Last evaluated: 2022-10-31. Review status: criteria provided, single submitter. Criteria: Invitae Variant Classification Sherloc (09022015). Collection method: clinical testing. Allele origin: germline.
Comment: This sequence change replaces aspartic acid, which is acidic and polar, with tyrosine, which is neutral and polar, at codon 667 of the DYM protein (p.Asp667Tyr). This variant is present in population databases (rs528865224, gnomAD 0.03%). This variant has not been reported in the literature in individuals affected with DYM-related conditions. ClinVar contains an entry for this variant (Variation ID: 326888). Algorithms developed to predict the effect of missense changes on protein structure and function are either unavailable or do not agree on the potential impact of this missense change (SIFT: "Deleterious"; PolyPhen-2: "Possibly Damaging"; Align-GVGD: "Class C0"). In summary, the available evidence is currently insufficient to determine the role of this variant in disease. Therefore, it has been classified as a Variant of Uncertain Significance.